The following is an entry in ClinVar:

NM_019892.6(INPP5E):c.1313A>G (p.Asp438Gly)

Gene: INPP5E (inositol polyphosphate-5-phosphatase E; minus strand). Cytogenetic location: 9q34.3.
Variant type: single nucleotide variant.
Coding change: c.1313A>G on transcript NM_019892.6 (MANE Select); coding-DNA position 1313, A replaced by G.
Protein change: p.Asp438Gly; replaces aspartic acid 438 with glycine.
Molecular consequence: missense variant.
Genome position (GRCh38, 1-based): chr9:136,432,553, T>C on the plus strand (A>G on the coding strand, the complement: INPP5E is on the minus strand). VCF-style: chr9-136432553-T-C. GRCh37 (hg19) VCF-style: chr9-139327005-T-C.
Other names: c.1310A>G, p.Asp437Gly (NM_001318502.2); short protein forms D438G, D437G.
Identifiers: ClinVar variation 938457 (VCV000938457.10), dbSNP rs1167225330, ClinGen allele CA375563543.

ClinVar aggregate classification (germline): Uncertain significance (1 of 4 stars; one submission).

Conditions:
Joubert syndrome. Also called: Familial aplasia of the vermis; CEREBELLOPARENCHYMAL DISORDER IV; JOUBERT-BOLTSHAUSER SYNDROME. Identifiers: Orphanet 475, MedGen C5979921, MONDO:0018772.

Allele frequency attached by ClinVar (database versions not stated): gnomAD exomes below 0.00001; TOPMed below 0.00001.
gnomAD v4.1: 2 of 1,550,350 alleles (0.00013%); highest among the groups gnomAD compares: Non-Finnish European, 0.00017%; no homozygotes.

Submission:

Labcorp Genetics (formerly Invitae), Labcorp
Classification: Uncertain significance for Joubert syndrome. Last evaluated: 2020-10-04. Review status: criteria provided, single submitter. Criteria: Invitae Variant Classification Sherloc (09022015). Collection method: clinical testing. Allele origin: germline.
Comment: Algorithms developed to predict the effect of missense changes on protein structure and function are either unavailable or do not agree on the potential impact of this missense change (SIFT: "Deleterious"; PolyPhen-2: "Probably Damaging"; Align-GVGD: "Class C0"). In summary, the available evidence is currently insufficient to determine the role of this variant in disease. Therefore, it has been classified as a Variant of Uncertain Significance. This variant has not been reported in the literature in individuals with INPP5E-related conditions. This variant is not present in population databases (ExAC no frequency). This sequence change replaces aspartic acid with glycine at codon 438 of the INPP5E protein (p.Asp438Gly). The aspartic acid residue is highly conserved and there is a moderate physicochemical difference between aspartic acid and glycine.